The following is an entry in ClinVar:

ClinVar aggregate classification (germline): Uncertain significance (1 of 4 stars; one submission).

Conditions:
Deficiency of 2-methylbutyryl-CoA dehydrogenase (ACADSB). Also called: 2-methylbutyrylglycinuria; 2-methylbutyryl-CoA dehydrogenase deficiency; SBCAD deficiency; 2-methylbutyric aciduria; Short branched-chain acyl-CoA dehydrogenase deficiency. Identifiers: Orphanet 79157, MedGen C1864912, MONDO:0012392, OMIM 610006, HP:0020147.

Allele frequency attached by ClinVar (database versions not stated): ExAC 0.00005.
gnomAD v4.1: 7 of 1,546,186 alleles (0.00045%); highest among the groups gnomAD compares: South Asian, 0.0071%; no homozygotes.

Submission:

Labcorp Genetics (formerly Invitae), Labcorp
Classification: Uncertain significance for Deficiency of 2-methylbutyryl-CoA dehydrogenase. Last evaluated: 2018-01-16. Review status: criteria provided, single submitter. Criteria: Invitae Variant Classification Sherloc (09022015). Collection method: clinical testing. Allele origin: germline.
Comment: In summary, the available evidence is currently insufficient to determine the role of this variant in disease. Therefore, it has been classified as a Variant of Uncertain Significance. Nucleotide substitutions within the consensus splice site are relatively common causes of aberrant splicing (PMID: 17576681, 9536098). Algorithms developed to predict the effect of sequence changes on RNA splicing suggest that this variant may disrupt the consensus splice site, but this prediction has not been confirmed by published transcriptional studies. This variant has not been reported in the literature in individuals with ACADSB-related disease. This variant is present in population databases (rs745863047, ExAC 0.01%). This sequence change affects codon 14 of the ACADSB mRNA. It is a 'silent' change, meaning that it does not change the encoded amino acid sequence of the ACADSB protein. This variant also falls at the last nucleotide of exon 1 of the ACADSB coding sequence, which is part of the consensus splice site for this exon.

Literature cited by the submitters: PubMed 17576681; PubMed 9536098.

NM_001609.4(ACADSB):c.42G>A (p.Leu14=)

Gene: ACADSB (acyl-CoA dehydrogenase short/branched chain; plus strand). Cytogenetic location: 10q26.13.
Variant type: single nucleotide variant.
Coding change: c.42G>A on transcript NM_001609.4 (MANE Select); coding-DNA position 42, G replaced by A.
Protein change: p.Leu14=; no amino-acid change (leucine 14 retained).
Molecular consequence: synonymous variant. On other transcripts: 5 prime UTR variant (1).
Genome position (GRCh38, 1-based): chr10:123,009,071, G>A. VCF-style: chr10-123009071-G-A. GRCh37 (hg19) VCF-style: chr10-124768587-G-A.
Other names: c.-164G>A (NM_001330174.3).
Identifiers: ClinVar variation 536347 (VCV000536347.6), dbSNP rs745863047, ClinGen allele CA5730581.
Genomic context (GRCh38, chr10:123,009,071, plus strand): 5'-GGAGAGGCCTGCGGCGAGGATGGAGGGCCTGGCAGTGCGGTTGCTGCGCGGCAGCAGGCT[G>A]GTGAGTGCGTTCGAGGCTGGCGTCCTGGGGGCCCAGGGCGACCTTGGCCCCTGGAATCGC-3'
Protein context (NP_001600.1, residues 4-24): LAVRLLRGSR[Leu14=]LRRNFLTCLS